The following is an entry in ClinVar:

NM_004006.3(DMD):c.3266A>G (p.Lys1089Arg)

Gene: DMD (dystrophin; minus strand). Cytogenetic location: Xp21.1.
Variant type: single nucleotide variant.
Coding change: c.3266A>G on transcript NM_004006.3 (MANE Select); coding-DNA position 3266, A replaced by G.
Protein change: p.Lys1089Arg; replaces lysine 1089 with arginine.
Molecular consequence: missense variant.
Genome position (GRCh38, 1-based): chrX:32,464,596, T>C on the plus strand (A>G on the coding strand, the complement: DMD is on the minus strand). VCF-style: chrX-32464596-T-C. GRCh37 (hg19) VCF-style: chrX-32482713-T-C.
Other names: c.3242A>G, p.Lys1081Arg (NM_000109.4); c.3254A>G, p.Lys1085Arg (NM_004009.3); c.2897A>G, p.Lys966Arg (NM_004010.3); short protein forms K1081R, K1089R, K1085R, K966R.
Identifiers: ClinVar variation 1360805 (VCV001360805.6), dbSNP rs2148427282, ClinGen allele CA412664720.

ClinVar aggregate classification (germline): Uncertain significance (1 of 4 stars; one submission).

Conditions:
Duchenne muscular dystrophy (DMD). Also called: MUSCULAR DYSTROPHY, PSEUDOHYPERTROPHIC PROGRESSIVE, DUCHENNE TYPE; Duchenne Muscular Dystrophy (DMD). Identifiers: Orphanet 98896, MedGen C0013264, MONDO:0010679, OMIM 310200.

Submission:

Labcorp Genetics (formerly Invitae), Labcorp
Classification: Uncertain significance for Duchenne muscular dystrophy. Last evaluated: 2021-06-27. Review status: criteria provided, single submitter. Criteria: Invitae Variant Classification Sherloc (09022015). Collection method: clinical testing. Allele origin: germline.
Comment: This sequence change replaces lysine with arginine at codon 1089 of the DMD protein (p.Lys1089Arg). The lysine residue is moderately conserved and there is a small physicochemical difference between lysine and arginine. This variant is not present in population databases (ExAC no frequency). This variant has not been reported in the literature in individuals affected with DMD-related conditions. Algorithms developed to predict the effect of missense changes on protein structure and function are either unavailable or do not agree on the potential impact of this missense change (SIFT: "Tolerated"; PolyPhen-2: "Probably Damaging"; Align-GVGD: "Class C0"). In summary, the available evidence is currently insufficient to determine the role of this variant in disease. Therefore, it has been classified as a Variant of Uncertain Significance.